The following is an entry in ClinVar:

NM_002470.4(MYH3):c.*5G>C

Gene: MYH3 (myosin heavy chain 3; minus strand). Cytogenetic location: 17p13.1.
Variant type: single nucleotide variant.
Coding change: c.*5G>C on transcript NM_002470.4 (MANE Select); 5 bases downstream of the stop codon, G replaced by C.
Molecular consequence: 3 prime UTR variant.
Genome position (GRCh38, 1-based): chr17:10,628,648, C>G on the plus strand (G>C on the coding strand, the complement: MYH3 is on the minus strand). VCF-style: chr17-10628648-C-G. GRCh37 (hg19) VCF-style: chr17-10531965-C-G.
Identifiers: ClinVar variation 3048698 (VCV003048698.2), dbSNP rs371582717, ClinGen allele CA8391767.

ClinVar aggregate classification (germline): Likely benign (0 of 4 stars; one submission).

Conditions:
MYH3-related disorder. Also called: MYH3-Related Disorders; MYH3-related condition. Identifiers: MedGen CN239329.

Allele frequency attached by ClinVar (database versions not stated): gnomAD 0.00007; TOPMed 0.00007; ESP Exome Variant Server 0.00008; ExAC 0.00016; gnomAD exomes 0.00016.
gnomAD v4.1: 236 of 1,614,068 alleles (0.015%); highest among the groups gnomAD compares: Non-Finnish European, 0.017%; no homozygotes.

Submission:

PreventionGenetics, part of Exact Sciences
Classification: Likely benign for MYH3-related condition. Last evaluated: 2022-06-13. Review status: no assertion criteria provided. Collection method: clinical testing. Allele origin: germline.
Comment: This variant is classified as likely benign based on ACMG/AMP sequence variant interpretation guidelines (Richards et al. 2015 PMID: 25741868, with internal and published modifications).